The following is an entry in ClinVar:

NM_001466.4(FZD2):c.1156A>G (p.Thr386Ala)

Gene: FZD2 (frizzled class receptor 2; plus strand). Cytogenetic location: 17q21.31.
Variant type: single nucleotide variant.
Coding change: c.1156A>G on transcript NM_001466.4 (MANE Select); coding-DNA position 1156, A replaced by G.
Protein change: p.Thr386Ala; replaces threonine 386 with alanine.
Molecular consequence: missense variant.
Genome position (GRCh38, 1-based): chr17:44,558,844, A>G. VCF-style: chr17-44558844-A-G. GRCh37 (hg19) VCF-style: chr17-42636212-A-G.
Other names: c.1156A>G (NM_001466.3); short protein forms T386A.
Identifiers: ClinVar variation 2972344 (VCV002972344.4), dbSNP rs769196121, ClinGen allele CA8604746.
Genomic context (GRCh38, chr17:44,558,844, plus strand): 5'-GAGGCCAACTCTCAGTACTTCCACCTGGCCGCCTGGGCCGTGCCGGCCGTCAAGACCATC[A>G]CCATCCTGGCCATGGGCCAGATCGACGGCGACCTGCTGAGCGGCGTGTGCTTCGTAGGCC-3'
Protein context (NP_001457.1, residues 376-396): AWAVPAVKTI[Thr386Ala]ILAMGQIDGD

ClinVar aggregate classification (germline): Uncertain significance. Review status: criteria provided, multiple submitters, no conflicts (2 of 4 stars). 2 submissions from 2 submitters: Uncertain significance (2). Last evaluated 2026-01-05.

Allele frequency attached by ClinVar (database versions not stated): gnomAD 0.00005; ExAC 0.00002; TOPMed 0.00004.

Submissions (2):

Labcorp Genetics (formerly Invitae), Labcorp
Classification: Uncertain significance. Last evaluated: 2026-01-05. Review status: criteria provided, single submitter. Criteria: Invitae Variant Classification Sherloc (09022015). Collection method: clinical testing. Allele origin: germline.
Comment: This sequence change replaces threonine, which is neutral and polar, with alanine, which is neutral and non-polar, at codon 386 of the FZD2 protein (p.Thr386Ala). This variant is present in population databases (rs769196121, gnomAD 0.004%). This variant has not been reported in the literature in individuals affected with FZD2-related conditions. ClinVar contains an entry for this variant (Variation ID: 2972344). Invitae Evidence Modeling of protein sequence and biophysical properties (such as structural, functional, and spatial information, amino acid conservation, physicochemical variation, residue mobility, and thermodynamic stability) indicates that this missense variant is not expected to disrupt FZD2 protein function with a negative predictive value of 80%. In summary, the available evidence is currently insufficient to determine the role of this variant in disease. Therefore, it has been classified as a Variant of Uncertain Significance.

Ambry Genetics
Classification: Uncertain significance. Last evaluated: 2025-02-13. Review status: criteria provided, single submitter. Criteria: Ambry Variant Classification Scheme 2023. Collection method: clinical testing. Allele origin: germline.